The following is an entry in ClinVar:

NM_003579.4(RAD54L):c.1036A>G (p.Ile346Val)

Gene: RAD54L (RAD54 like; plus strand). Cytogenetic location: 1p34.1.
Variant type: single nucleotide variant.
Coding change: c.1036A>G on transcript NM_003579.4 (MANE Select); coding-DNA position 1036, A replaced by G.
Protein change: p.Ile346Val; replaces isoleucine 346 with valine.
Molecular consequence: missense variant.
Genome position (GRCh38, 1-based): chr1:46,267,603, A>G. VCF-style: chr1-46267603-A-G. GRCh37 (hg19) VCF-style: chr1-46733275-A-G.
Other names: c.1036A>G, p.Ile346Val (NM_001142548.2); c.496A>G, p.Ile166Val (NM_001370766.1); short protein forms I166V, I346V.
Identifiers: ClinVar variation 1772623 (VCV001772623.2), dbSNP rs2525690952, ClinGen allele CA340192780.
Genomic context (GRCh38, chr1:46,267,603, plus strand): 5'-ACTCCCATCCAGAATGATCTGCTTGAGTATTTCAGCTTGGTACATTTTGTTAATTCCGGC[A>G]TCCTAGGTAAGAATCTAGCCTTGTTTGCCACATCAGAGAGGAGCCCTGCCTTGTCTTTGG-3'
Protein context (NP_003570.2, residues 336-356): FSLVHFVNSG[Ile346Val]LGTAHEFKKH

ClinVar aggregate classification (germline): Uncertain significance (1 of 4 stars; one submission).

Submission:

Ambry Genetics
Classification: Uncertain significance. Last evaluated: 2022-05-16. Review status: criteria provided, single submitter. Criteria: Ambry Variant Classification Scheme 2023. Collection method: clinical testing. Allele origin: germline.
Comment: The p.I346V variant (also known as c.1036A>G), located in coding exon 9 of the RAD54L gene, results from an A to G substitution at nucleotide position 1036. The isoleucine at codon 346 is replaced by valine, an amino acid with highly similar properties. This amino acid position is conserved. In addition, the in silico prediction for this alteration is inconclusive. Since supporting evidence is limited at this time, the clinical significance of this alteration remains unclear.